The following is an entry in ClinVar:

NM_022367.4(SEMA4A):c.1499A>G (p.Tyr500Cys)

Gene: SEMA4A (semaphorin 4A; plus strand). Cytogenetic location: 1q22.
Variant type: single nucleotide variant.
Coding change: c.1499A>G on transcript NM_022367.4 (MANE Select); coding-DNA position 1499, A replaced by G.
Protein change: p.Tyr500Cys; replaces tyrosine 500 with cysteine.
Molecular consequence: missense variant.
Genome position (GRCh38, 1-based): chr1:156,175,150, A>G. VCF-style: chr1-156175150-A-G. GRCh37 (hg19) VCF-style: chr1-156144941-A-G.
Other names: c.1499A>G, p.Tyr500Cys (NM_001193300.2, NM_001193301.2, NM_001370567.1); c.1103A>G, p.Tyr368Cys (NM_001193302.2); c.1202A>G, p.Tyr401Cys (NM_001370568.1); c.992A>G, p.Tyr331Cys (NM_001370569.1, NM_001370571.1); short protein forms Y401C, Y331C, Y500C, Y368C.
Identifiers: ClinVar variation 1970017 (VCV001970017.5), dbSNP rs920186620, ClinGen allele CA31002959.

ClinVar aggregate classification (germline): Uncertain significance (1 of 4 stars; one submission).

Allele frequency attached by ClinVar (database versions not stated): gnomAD exomes 0.00001.
gnomAD v4.1: 10 of 1,614,108 alleles (0.00062%); highest among the groups gnomAD compares: South Asian, 0.0033%; no homozygotes.

Submission:

Labcorp Genetics (formerly Invitae), Labcorp
Classification: Uncertain significance. Last evaluated: 2022-06-19. Review status: criteria provided, single submitter. Criteria: Invitae Variant Classification Sherloc (09022015). Collection method: clinical testing. Allele origin: germline.
Comment: In summary, the available evidence is currently insufficient to determine the role of this variant in disease. Therefore, it has been classified as a Variant of Uncertain Significance. Algorithms developed to predict the effect of sequence changes on RNA splicing suggest that this variant may create or strengthen a splice site. Algorithms developed to predict the effect of missense changes on protein structure and function are either unavailable or do not agree on the potential impact of this missense change (SIFT: "Tolerated"; PolyPhen-2: "Probably Damaging"; Align-GVGD: "Class C15"). This variant has not been reported in the literature in individuals affected with SEMA4A-related conditions. This variant is present in population databases (no rsID available, gnomAD 0.002%). This sequence change replaces tyrosine, which is neutral and polar, with cysteine, which is neutral and slightly polar, at codon 500 of the SEMA4A protein (p.Tyr500Cys).